The following is an entry in ClinVar:

ClinVar aggregate classification (germline): Uncertain significance (1 of 4 stars; one submission).

Submission:

Ambry Genetics
Classification: Uncertain significance. Last evaluated: 2022-01-17. Review status: criteria provided, single submitter. Criteria: Ambry Variant Classification Scheme 2023. Collection method: clinical testing. Allele origin: germline.
Comment: The p.G156C variant (also known as c.466G>T), located in coding exon 3 of the ALPK2 gene, results from a G to T substitution at nucleotide position 466. The glycine at codon 156 is replaced by cysteine, an amino acid with highly dissimilar properties. This amino acid position is conserved. In addition, this alteration is predicted to be tolerated by in silico analysis. Since supporting evidence is limited at this time, the clinical significance of this alteration remains unclear.

NM_052947.4(ALPK2):c.466G>T (p.Gly156Cys)

Gene: ALPK2 (alpha kinase 2; minus strand). Cytogenetic location: 18q21.31.
Variant type: single nucleotide variant.
Coding change: c.466G>T on transcript NM_052947.4 (MANE Select); coding-DNA position 466, G replaced by T.
Protein change: p.Gly156Cys; replaces glycine 156 with cysteine.
Molecular consequence: missense variant.
Genome position (GRCh38, 1-based): chr18:58,580,310, C>A on the plus strand (G>T on the coding strand, the complement: ALPK2 is on the minus strand). VCF-style: chr18-58580310-C-A. GRCh37 (hg19) VCF-style: chr18-56247542-C-A.
Other names: short protein forms G156C.
Identifiers: ClinVar variation 1742311 (VCV001742311.2), dbSNP rs1365235325, ClinGen allele CA402567907.